The following is an entry in ClinVar:

NM_016203.4(PRKAG2):c.758T>C (p.Val253Ala)

Gene: PRKAG2 (protein kinase AMP-activated non-catalytic subunit gamma 2; minus strand). Cytogenetic location: 7q36.1.
Variant type: single nucleotide variant.
Coding change: c.758T>C on transcript NM_016203.4 (MANE Select); coding-DNA position 758, T replaced by C.
Protein change: p.Val253Ala; replaces valine 253 with alanine.
Molecular consequence: missense variant.
Genome position (GRCh38, 1-based): chr7:151,595,451, A>G on the plus strand (T>C on the coding strand, the complement: PRKAG2 is on the minus strand). VCF-style: chr7-151595451-A-G. GRCh37 (hg19) VCF-style: chr7-151292537-A-G.
Other names: c.626T>C, p.Val209Ala (NM_001040633.2, NM_001407024.1); c.383T>C, p.Val128Ala (NM_001304527.2, NM_001407029.1); c.35T>C, p.Val12Ala (NM_001304531.2, NM_001407034.1, NM_001407035.1 and 1 more transcripts); c.386T>C, p.Val129Ala (NM_001363698.2, NM_001407028.1); c.758T>C, p.Val253Ala (NM_001407021.1); c.755T>C, p.Val252Ala (NM_001407022.1, NM_001407023.1); c.623T>C, p.Val208Ala (NM_001407026.1, NM_001407027.1); c.470T>C, p.Val157Ala (NM_001407030.1); and 6 more; short protein forms I156T, V145A, V157A, V208A, V209A, V128A, V147A, V253A.
Identifiers: ClinVar variation 1958498 (VCV001958498.7), dbSNP rs754530402, ClinGen allele CA058408.

ClinVar aggregate classification (germline): Uncertain significance. Review status: criteria provided, multiple submitters, no conflicts (2 of 4 stars). 2 submissions from 2 submitters: Uncertain significance (2). Last evaluated 2024-03-06.

Conditions:
Cardiomyopathy (CMYO). Also called: Cardiomyopathies. Identifiers: Orphanet 167848, MedGen C0878544, MONDO:0004994, HP:0001638. Inheritance: Various modes of inheritance.
Lethal congenital glycogen storage disease of heart. Also called: GLYCOGEN STORAGE DISEASE OF HEART; PHOSPHORYLASE KINASE DEFICIENCY OF HEART. Identifiers: Orphanet 439854, MedGen C1849813, MONDO:0009867, OMIM 261740.

Allele frequency attached by ClinVar (database versions not stated): gnomAD exomes 0.00001; ExAC 0.00002.
gnomAD v4.1: 6 of 1,612,060 alleles (0.00037%); highest among the groups gnomAD compares: Non-Finnish European, 0.00025%; no homozygotes.

Submissions (2):

Color Diagnostics, LLC DBA Color Health
Classification: Uncertain significance for Cardiomyopathy. Last evaluated: 2024-03-06. Review status: criteria provided, single submitter. Criteria: ACMG Guidelines, 2015. Collection method: clinical testing. Allele origin: germline.
Comment: This missense variant replaces valine with alanine at codon 253 of the PRKAG2 protein. Computational prediction suggests that this variant may not impact protein structure and function (internally defined REVEL score threshold <= 0.5, PMID: 27666373). To our knowledge, functional studies have not been reported for this variant. This variant has not been reported in individuals affected with cardiovascular disorders in the literature. This variant has not been identified in the general population by the Genome Aggregation Database (gnomAD). The available evidence is insufficient to determine the role of this variant in disease conclusively. Therefore, this variant is classified as a Variant of Uncertain Significance.

Labcorp Genetics (formerly Invitae), Labcorp
Classification: Uncertain significance for Lethal congenital glycogen storage disease of heart. Last evaluated: 2022-05-30. Review status: criteria provided, single submitter. Criteria: Invitae Variant Classification Sherloc (09022015). Collection method: clinical testing. Allele origin: germline.
Comment: Advanced modeling of protein sequence and biophysical properties (such as structural, functional, and spatial information, amino acid conservation, physicochemical variation, residue mobility, and thermodynamic stability) performed at Invitae indicates that this missense variant is not expected to disrupt PRKAG2 protein function. In summary, the available evidence is currently insufficient to determine the role of this variant in disease. Therefore, it has been classified as a Variant of Uncertain Significance. This variant has not been reported in the literature in individuals affected with PRKAG2-related conditions. This sequence change replaces valine, which is neutral and non-polar, with alanine, which is neutral and non-polar, at codon 253 of the PRKAG2 protein (p.Val253Ala). This variant is present in population databases (rs754530402, gnomAD 0.01%).